The following is an entry in ClinVar:

ClinVar aggregate classification (germline): Likely pathogenic (1 of 4 stars; one submission).

Conditions:
Dilated cardiomyopathy 1G (CMD1G). Identifiers: Orphanet 154, MedGen C1858763, MONDO:0011400, OMIM 604145.
Autosomal recessive limb-girdle muscular dystrophy type 2J (LGMDR10). Also called: Limb-girdle muscular dystrophy, type 2J; MUSCULAR DYSTROPHY, LIMB-GIRDLE, AUTOSOMAL RECESSIVE 10. Identifiers: Orphanet 140922, MedGen C1837342, MONDO:0012127, OMIM 608807.

Submission:

Labcorp Genetics (formerly Invitae), Labcorp
Classification: Likely pathogenic for Dilated cardiomyopathy 1G; Autosomal recessive limb-girdle muscular dystrophy type 2J. Last evaluated: 2024-10-18. Review status: criteria provided, single submitter. Criteria: Invitae Variant Classification Sherloc (09022015). Collection method: clinical testing. Allele origin: germline.
Comment: This sequence change creates a premature translational stop signal (p.Ile9747Thrfs*6) in the TTN gene. While this is not anticipated to result in nonsense mediated decay, it is expected to create a truncated TTN protein. This variant is not present in population databases (gnomAD no frequency). This variant has not been reported in the literature in individuals affected with TTN-related conditions. ClinVar contains an entry for this variant (Variation ID: 2000832). This variant is located in the I band of TTN (PMID: 25589632). Truncating variants in this region have been reported in individuals affected with autosomal recessive centronuclear myopathy (PMID: 23975875, internal data). Truncating variants in this region have also been identified in individuals affected with autosomal dominant dilated cardiomyopathy and/or cardio-related conditions (PMID: 27869827, 32964742, internal data). In summary, the currently available evidence indicates that the variant is pathogenic, but additional data are needed to prove that conclusively. Therefore, this variant has been classified as Likely Pathogenic.

Literature cited by the submitters: PubMed 25589632; PubMed 23975875; PubMed 27869827; PubMed 32964742.

NM_001267550.2(TTN):c.29240_29241del (p.Ile9747fs)

Gene: TTN (titin; minus strand). Cytogenetic location: 2q31.2.
Variant type: Deletion.
Coding change: c.29240_29241del on transcript NM_001267550.2 (MANE Select); coding-DNA positions 29240 to 29241, 2 bases deleted (TC; older notation c.29240_29241delTC).
Protein change: p.Ile9747fs; shifts the reading frame from isoleucine 9747.
Molecular consequence: frameshift variant. On other transcripts: intron variant (3).
Genome position (GRCh38, 1-based): chr2:178,706,633-178,706,634, GA deleted on the plus strand (TC on the coding strand, the reverse complement: TTN is on the minus strand). VCF-style (leftmost placement, unchanged base first): chr2-178706632-GGA-G. GRCh37 (hg19) VCF-style: chr2-179571359-GGA-G.
Other names: c.28289_28290del, p.Ile9430fs (NM_001256850.1); c.25508_25509del, p.Ile8503fs (NM_133378.4); c.13282+31448_13282+31449del (NM_003319.4); c.13858+31448_13858+31449del (NM_133437.4); c.13657+31448_13657+31449del (NM_133432.3); short protein forms I8503fs, I9430fs, I9747fs.
Identifiers: ClinVar variation 2000832 (VCV002000832.4), dbSNP rs2475380295, ClinGen allele CA2580065215.